The following is an entry in ClinVar:

ClinVar aggregate classification (germline): Likely benign (1 of 4 stars; one submission).

Allele frequency attached by ClinVar (database versions not stated): gnomAD 0.00562; TOPMed 0.00611; 1000 Genomes Project 30x 0.00781; 1000 Genomes Project 0.00799.

Submission:

GeneDx
Classification: Likely benign. Last evaluated: 2021-05-22. Review status: criteria provided, single submitter. Criteria: GeneDx Variant Classification Process June 2021. Collection method: clinical testing. Allele origin: germline. Affected: yes.
Comment: See Variant Classification Assertion Criteria.

NM_002427.4(MMP13):c.1316-160A>G

Gene: MMP13 (matrix metallopeptidase 13; minus strand). Cytogenetic location: 11q22.2.
Variant type: single nucleotide variant.
Coding change: c.1316-160A>G on transcript NM_002427.4 (MANE Select); 160 bases into the intron before coding-DNA position 1316, A replaced by G.
Molecular consequence: intron variant.
Genome position (GRCh38, 1-based): chr11:102,944,526, T>C on the plus strand (A>G on the coding strand, the complement: MMP13 is on the minus strand). VCF-style: chr11-102944526-T-C. GRCh37 (hg19) VCF-style: chr11-102815255-T-C.
Identifiers: ClinVar variation 1707397 (VCV001707397.2), dbSNP rs17860582, ClinGen allele CA227369634.
Genomic context (GRCh38, chr11:102,944,526, plus strand): 5'-AATTTCAAACTTTTTCTTTTTAAACTCTATTAGTTCTTTAATAGTTGTTCCTTTTTAAAT[T>C]TTTTATTTTTTTATTTTTATTTTTTAGTTGTTCTTTTAAGGTGTGAATCCTCCTACACAG-3'